The following is an entry in ClinVar:

ClinVar aggregate classification (germline): Likely pathogenic (0 of 4 stars; one submission).

Conditions:
Neuronal ceroid lipofuscinosis 1 (CLN1). Also called: CEROID LIPOFUSCINOSIS, NEURONAL, 1, VARIABLE AGE AT ONSET; PPT1-Related Neuronal Ceroid-Lipofuscinosis. Identifiers: Orphanet 228329, MedGen C1850451, MONDO:0009744, OMIM 256730.

Allele frequency attached by ClinVar (database versions not stated): gnomAD below 0.00001 and 0.00001; gnomAD exomes below 0.00001.
gnomAD v4.1: 2 of 1,614,040 alleles (0.00012%); highest among the groups gnomAD compares: South Asian, 0.0022%; no homozygotes.

Submission:

Juha Muilu Group; Institute for Molecular Medicine Finland (FIMM)
Classification: Likely pathogenic for Ceroid lipofuscinosis neuronal 1. Review status: no assertion criteria provided. Collection method: not provided. Allele origin: unknown.
Comment: FinDis database variant: This variant was not found or characterized by our laboratory, data were collected from public sources: see reference
ClinVar note: Converted during submission from probable-pathogenic to Likely pathogenic.

NM_000310.4(PPT1):c.886T>C (p.Trp296Arg)

Gene: PPT1 (palmitoyl-protein thioesterase 1; minus strand). Cytogenetic location: 1p34.2.
Variant type: single nucleotide variant.
Coding change: c.886T>C on transcript NM_000310.4 (MANE Select); coding-DNA position 886, T replaced by C.
Protein change: p.Trp296Arg; replaces tryptophan 296 with arginine.
Molecular consequence: missense variant.
Genome position (GRCh38, 1-based): chr1:40,074,096, A>G on the plus strand (T>C on the coding strand, the complement: PPT1 is on the minus strand). VCF-style: chr1-40074096-A-G. GRCh37 (hg19) VCF-style: chr1-40539768-A-G.
Other names: c.577T>C, p.Trp193Arg (NM_001142604.2); c.814T>C, p.Trp272Arg (NM_001363695.2); short protein forms W193R, W296R, W272R.
Identifiers: ClinVar variation 56218 (VCV000056218.2), dbSNP rs386833669, ClinGen allele CA263554.
Genomic context (GRCh38, chr1:40,074,096, plus strand): 5'-AGCTCTATTGTGAACTATACGGGTTTCATCCAAGGAATGGTATGATGTGGGCATAAAACC[A>G]TTCTTCAGACAACTGAAGATGGTCCCCTTCTGTAGCCAGAAACACTAGCTGTCCTGCATT-3'
Protein context (NP_000301.1, residues 286-306): EGDHLQLSEE[Trp296Arg]FYAHIIPFLG